The following is an entry in ClinVar:

NM_003803.4(MYOM1):c.2161G>A (p.Gly721Ser)

Gene: MYOM1 (myomesin 1; minus strand). Cytogenetic location: 18p11.31.
Variant type: single nucleotide variant.
Coding change: c.2161G>A on transcript NM_003803.4 (MANE Select); coding-DNA position 2161, G replaced by A.
Protein change: p.Gly721Ser; replaces glycine 721 with serine.
Molecular consequence: missense variant.
Genome position (GRCh38, 1-based): chr18:3,135,595, C>T on the plus strand (G>A on the coding strand, the complement: MYOM1 is on the minus strand). VCF-style: chr18-3135595-C-T. GRCh37 (hg19) VCF-style: chr18-3135593-C-T.
Other names: c.2161G>A, p.Gly721Ser (NM_019856.2); short protein forms G721S.
Identifiers: ClinVar variation 1478795 (VCV001478795.9), dbSNP rs747350384, ClinGen allele CA8874730.

ClinVar aggregate classification (germline): Uncertain significance. Review status: criteria provided, multiple submitters, no conflicts (2 of 4 stars). 2 submissions from 2 submitters: Uncertain significance (2). Last evaluated 2025-04-02.

Conditions:
Hypertrophic cardiomyopathy. Also called: HYPERTROPHIC MYOCARDIOPATHY. Identifiers: Orphanet 217569, MedGen C0007194, MeSH D002312, MONDO:0005045, HP:0001639.

Allele frequency attached by ClinVar (database versions not stated): gnomAD 0.00002 and 0.00003; TOPMed 0.00003; gnomAD exomes 0.00006; ExAC 0.00008.
gnomAD v4.1: 88 of 1,613,680 alleles (0.0055%); highest among the groups gnomAD compares: Non-Finnish European, 0.0072%; no homozygotes.

Submissions (2):

Ambry Genetics
Classification: Uncertain significance. Last evaluated: 2025-04-02. Review status: criteria provided, single submitter. Criteria: Ambry Variant Classification Scheme 2023. Collection method: clinical testing. Allele origin: germline.

Labcorp Genetics (formerly Invitae), Labcorp
Classification: Uncertain significance for Hypertrophic cardiomyopathy. Last evaluated: 2024-01-11. Review status: criteria provided, single submitter. Criteria: Invitae Variant Classification Sherloc (09022015). Collection method: clinical testing. Allele origin: germline.
Comment: This sequence change replaces glycine, which is neutral and non-polar, with serine, which is neutral and polar, at codon 721 of the MYOM1 protein (p.Gly721Ser). This variant is present in population databases (rs747350384, gnomAD 0.01%). This variant has not been reported in the literature in individuals affected with MYOM1-related conditions. ClinVar contains an entry for this variant (Variation ID: 1478795). Advanced modeling of protein sequence and biophysical properties (such as structural, functional, and spatial information, amino acid conservation, physicochemical variation, residue mobility, and thermodynamic stability) performed at Invitae indicates that this missense variant is not expected to disrupt MYOM1 protein function with a negative predictive value of 80%. In summary, the available evidence is currently insufficient to determine the role of this variant in disease. Therefore, it has been classified as a Variant of Uncertain Significance.